The following is an entry in ClinVar:

NM_001009944.3(PKD1):c.4395C>G (p.Pro1465=)

Gene: PKD1 (polycystin 1, transient receptor potential channel interacting; minus strand). Cytogenetic location: 16p13.3.
Variant type: single nucleotide variant.
Coding change: c.4395C>G on transcript NM_001009944.3 (MANE Select); coding-DNA position 4395, C replaced by G.
Protein change: p.Pro1465=; no amino-acid change (proline 1465 retained).
Molecular consequence: synonymous variant.
Genome position (GRCh38, 1-based): chr16:2,110,772, G>C on the plus strand (C>G on the coding strand, the complement: PKD1 is on the minus strand). VCF-style: chr16-2110772-G-C. GRCh37 (hg19) VCF-style: chr16-2160773-G-C.
Other names: p.Pro1465=; c.4395C>G, p.Pro1465= (NM_000296.4).
Identifiers: ClinVar variation 4684057 (VCV004684057.2).

ClinVar aggregate classification (germline): Likely benign. Review status: criteria provided, multiple submitters, no conflicts (2 of 4 stars). 2 submissions from 2 submitters: Likely benign (2). Last evaluated 2025-10-21.

gnomAD v4.1: 15 of 1,610,698 alleles (0.00093%); highest among the groups gnomAD compares: African/African-American, 0.0013%; no homozygotes.

Submissions (2):

Women's Health and Genetics/Laboratory Corporation of America, LabCorp
Classification: Likely benign. Last evaluated: 2025-10-21. Review status: criteria provided, single submitter. Criteria: LabCorp Variant Classification Summary - May 2015. Collection method: clinical testing. Allele origin: germline.

Mayo Clinic Laboratories, Mayo Clinic
Classification: Likely benign. Last evaluated: 2025-09-16. Review status: criteria provided, single submitter. Criteria: ACMG Guidelines, 2015. Collection method: clinical testing. Allele origin: germline. Observed: 2 variant alleles.
Comment: BP4, BP7